The following is an entry in ClinVar:

NM_001042432.2(CLN3):c.374+1G>A

Gene: CLN3 (CLN3 lysosomal/endosomal transmembrane protein, battenin; minus strand). Cytogenetic location: 16p12.1.
Variant type: single nucleotide variant.
Coding change: c.374+1G>A on transcript NM_001042432.2 (MANE Select); the canonical splice donor site of the intron after coding-DNA position 374, G replaced by A.
Molecular consequence: splice donor variant. On other transcripts: intron variant (1).
Genome position (GRCh38, 1-based): chr16:28,487,661, C>T on the plus strand (G>A on the coding strand, the complement: CLN3 is on the minus strand). VCF-style: chr16-28487661-C-T. GRCh37 (hg19) VCF-style: chr16-28498982-C-T.
Other names: c.140+1G>A (NM_001286109.2); c.302+1G>A (NM_001286104.2); c.75-120G>A (NM_001286105.2); c.212+1G>A (NM_001286110.2); c.374+1G>A (NM_000086.2).
Identifiers: ClinVar variation 852654 (VCV000852654.8), dbSNP rs2046243804, ClinGen allele CA395346006.

ClinVar aggregate classification (germline): Likely pathogenic (1 of 4 stars; one submission).

Conditions:
Neuronal ceroid lipofuscinosis. Also called: Neuronal Ceroid Lipofuscinoses. Identifiers: Orphanet 216, Orphanet 79263, MedGen C0027877, MONDO:0016295. Disease mechanism: loss of function.

gnomAD v4.1: 1 of 1,613,370 alleles (0.000062%); no homozygotes.

Submission:

Labcorp Genetics (formerly Invitae), Labcorp
Classification: Likely pathogenic for Neuronal ceroid lipofuscinosis. Last evaluated: 2024-08-29. Review status: criteria provided, single submitter. Criteria: Invitae Variant Classification Sherloc (09022015). Collection method: clinical testing. Allele origin: germline.
Comment: This sequence change affects a donor splice site in intron 6 of the CLN3 gene. It is expected to disrupt RNA splicing. Variants that disrupt the donor or acceptor splice site typically lead to a loss of protein function (PMID: 16199547), and loss-of-function variants in CLN3 are known to be pathogenic (PMID: 9311735, 28542676). This variant is not present in population databases (gnomAD no frequency). This variant has not been reported in the literature in individuals affected with CLN3-related conditions. ClinVar contains an entry for this variant (Variation ID: 852654). Algorithms developed to predict the effect of sequence changes on RNA splicing suggest that this variant may disrupt the consensus splice site. In summary, the currently available evidence indicates that the variant is pathogenic, but additional data are needed to prove that conclusively. Therefore, this variant has been classified as Likely Pathogenic.

Literature cited by the submitters: PubMed 16199547; PubMed 9311735; PubMed 28542676.